The following is an entry in ClinVar:

NM_032199.3(ARID5B):c.628C>T (p.Leu210=)

Gene: ARID5B (AT-rich interaction domain 5B; plus strand). Cytogenetic location: 10q21.2.
Variant type: single nucleotide variant.
Coding change: c.628C>T on transcript NM_032199.3 (MANE Select); coding-DNA position 628, C replaced by T.
Protein change: p.Leu210=; no amino-acid change (leucine 210 retained).
Molecular consequence: synonymous variant.
Genome position (GRCh38, 1-based): chr10:62,000,216, C>T. VCF-style: chr10-62000216-C-T. GRCh37 (hg19) VCF-style: chr10-63759975-C-T.
Identifiers: ClinVar variation 3040475 (VCV003040475.10), dbSNP rs150105654, ClinGen allele CA5515125.

ClinVar aggregate classification (germline): Likely benign. Review status: criteria provided, single submitter (1 of 4 stars). 2 submissions from 2 submitters: Likely benign (1). 1 of the submissions does not count toward it. Last evaluated 2025-07-01.

Conditions:
ARID5B-related disorder. Also called: ARID5B-related condition.

Allele frequency attached by ClinVar (database versions not stated): gnomAD exomes 0.00042; ExAC 0.00043; gnomAD 0.00046; ESP Exome Variant Server 0.00054; 1000 Genomes Project 30x 0.00016; 1000 Genomes Project 0.00020; TOPMed 0.00024.
gnomAD v4.1: 684 of 1,613,998 alleles (0.042%); highest among the groups gnomAD compares: Middle Eastern, 0.049%; 1 homozygote.

Submissions (2):

CeGaT Center for Human Genetics Tuebingen
Classification: Likely benign. Last evaluated: 2025-07-01. Review status: criteria provided, single submitter. Criteria: CeGaT Center For Human Genetics Tuebingen Variant Classification Criteria Version 2. Collection method: clinical testing. Allele origin: germline. Affected: yes. Observed: 1 variant allele.
Comment: ARID5B: BP4

PreventionGenetics, part of Exact Sciences
Classification: Likely benign for ARID5B-related condition. Last evaluated: 2019-03-29. Review status: no assertion criteria provided. Collection method: clinical testing. Allele origin: germline. Not counted in ClinVar's aggregate classification.
Comment: This variant is classified as likely benign based on ACMG/AMP sequence variant interpretation guidelines (Richards et al. 2015 PMID: 25741868, with internal and published modifications).